The following is an entry in ClinVar:

NM_020987.5(ANK3):c.10143A>T (p.Glu3381Asp)

Gene: ANK3 (ankyrin 3; minus strand). Cytogenetic location: 10q21.2.
Variant type: single nucleotide variant.
Coding change: c.10143A>T on transcript NM_020987.5 (MANE Select); coding-DNA position 10143, A replaced by T.
Protein change: p.Glu3381Asp; replaces glutamic acid 3381 with aspartic acid.
Molecular consequence: missense variant. On other transcripts: intron variant (4).
Genome position (GRCh38, 1-based): chr10:60,070,738, T>A on the plus strand (A>T on the coding strand, the complement: ANK3 is on the minus strand). VCF-style: chr10-60070738-T-A. GRCh37 (hg19) VCF-style: chr10-61830496-T-A.
Other names: c.4388-2729A>T (NM_001204403.2); c.4409-2729A>T (NM_001204404.2); c.4406-2729A>T (NM_001320874.2); c.1808-2729A>T (NM_001149.4); short protein forms E3381D.
Identifiers: ClinVar variation 4689616 (VCV004689616.1).

ClinVar aggregate classification (germline): Uncertain significance (1 of 4 stars; one submission).

Submission:

Women's Health and Genetics/Laboratory Corporation of America, LabCorp
Classification: Uncertain significance. Last evaluated: 2026-01-06. Review status: criteria provided, single submitter. Criteria: LabCorp Variant Classification Summary - May 2015. Collection method: clinical testing. Allele origin: germline.
Comment: Variant summary: ANK3 c.10143A>T (p.Glu3381Asp) results in a conservative amino acid change in the encoded protein sequence. Algorithms developed to predict the effect of missense changes on protein structure and function are either unavailable or do not agree on the potential impact of this missense change. The variant was absent in 251190 control chromosomes. The available data on variant occurrences in the general population are insufficient to allow any conclusion about variant significance. To our knowledge, no occurrence of c.10143A>T in individuals affected with ANK3-related conditions and no experimental evidence demonstrating its impact on protein function have been reported. No submitters have cited clinical-significance assessments for this variant to ClinVar. Based on the evidence outlined above, the variant was classified as uncertain significance.